The following is an entry in ClinVar:

ClinVar aggregate classification (germline): Uncertain significance (1 of 4 stars; one submission).

Submission:

Ambry Genetics
Classification: Uncertain significance. Last evaluated: 2025-07-11. Review status: criteria provided, single submitter. Criteria: Ambry Variant Classification Scheme 2023. Collection method: clinical testing. Allele origin: germline.
Comment: The p.D1022N variant (also known as c.3064G>A), located in coding exon 11 of the CDK12 gene, results from a G to A substitution at nucleotide position 3064. The aspartic acid at codon 1022 is replaced by asparagine, an amino acid with highly similar properties. This amino acid position is conserved. In addition, this alteration is predicted to be tolerated by in silico analysis. Based on the available evidence, the clinical significance of this variant remains unclear.

NM_016507.4(CDK12):c.3064G>A (p.Asp1022Asn)

Gene: CDK12 (cyclin dependent kinase 12; plus strand). Cytogenetic location: 17q12.
Variant type: single nucleotide variant.
Coding change: c.3064G>A on transcript NM_016507.4 (MANE Select); coding-DNA position 3064, G replaced by A.
Protein change: p.Asp1022Asn; replaces aspartic acid 1022 with asparagine.
Molecular consequence: missense variant.
Genome position (GRCh38, 1-based): chr17:39,520,056, G>A. VCF-style: chr17-39520056-G-A. GRCh37 (hg19) VCF-style: chr17-37676309-G-A.
Other names: c.3064G>A, p.Asp1022Asn (NM_015083.4); short protein forms D1022N.
Identifiers: ClinVar variation 4224275 (VCV004224275.1).